The following is an entry in ClinVar:

ClinVar aggregate classification (germline): Uncertain significance (1 of 4 stars; one submission).

Conditions:
Cardiomyopathy (CMYO). Also called: Cardiomyopathies. Identifiers: Orphanet 167848, MedGen C0878544, MONDO:0004994, HP:0001638. Inheritance: Various modes of inheritance.

Allele frequency attached by ClinVar (database versions not stated): gnomAD exomes below 0.00001.
gnomAD v4.1: 1 of 1,613,706 alleles (0.000062%); highest among the groups gnomAD compares: Non-Finnish European, 0.000085%; no homozygotes.

Submission:

Color Diagnostics, LLC DBA Color Health
Classification: Uncertain significance for Cardiomyopathy. Last evaluated: 2023-09-18. Review status: criteria provided, single submitter. Criteria: ACMG Guidelines, 2015. Collection method: clinical testing. Allele origin: germline.
Comment: This variant is located in the 3' untranslated region in the DSP protein. To our knowledge, functional studies have not been reported for this variant. This variant has not been reported in individuals affected with DSP-related disorders in the literature. This variant has not been identified in the general population by the Genome Aggregation Database (gnomAD). The available evidence is insufficient to determine the role of this variant in disease conclusively. Therefore, this variant is classified as a Variant of Uncertain Significance.

NM_004415.4(DSP):c.*2A>G

Gene: DSP (desmoplakin; plus strand). Cytogenetic location: 6p24.3.
Variant type: single nucleotide variant.
Coding change: c.*2A>G on transcript NM_004415.4 (MANE Select); 2 bases downstream of the stop codon, A replaced by G.
Molecular consequence: 3 prime UTR variant.
Genome position (GRCh38, 1-based): chr6:7,585,880, A>G. VCF-style: chr6-7585880-A-G. GRCh37 (hg19) VCF-style: chr6-7586113-A-G.
Other names: c.*2A>G (NM_001008844.3, NM_001319034.2).
Identifiers: ClinVar variation 2775392 (VCV002775392.2), dbSNP rs999254229, ClinGen allele CA2677222505.